The following is an entry in ClinVar:

NM_170707.4(LMNA):c.729T>C (p.Asp243=)

Gene: LMNA (lamin A/C; plus strand). Cytogenetic location: 1q22.
Variant type: single nucleotide variant.
Coding change: c.729T>C on transcript NM_170707.4 (MANE Select); coding-DNA position 729, T replaced by C.
Protein change: p.Asp243=; no amino-acid change (aspartic acid 243 retained).
Molecular consequence: synonymous variant.
Genome position (GRCh38, 1-based): chr1:156,134,894, T>C. VCF-style: chr1-156134894-T-C. GRCh37 (hg19) VCF-style: chr1-156104685-T-C.
Other names: c.393T>C, p.Asp131= (NM_001257374.3); c.486T>C, p.Asp162= (NM_001282624.2); c.729T>C, p.Asp243= (NM_001282625.2, NM_001282626.2, NM_005572.4 and 1 more transcripts).
Identifiers: ClinVar variation 519558 (VCV000519558.12), dbSNP rs753243743, ClinGen allele CA054228.

ClinVar aggregate classification (germline): Likely benign. Review status: criteria provided, multiple submitters, no conflicts (2 of 4 stars). 4 submissions from 4 submitters: Likely benign (4). Last evaluated 2025-01-01.

Conditions:
Cardiovascular phenotype. Identifiers: MedGen CN230736.
Charcot-Marie-Tooth disease type 2. Also called: Charcot-Marie-Tooth type 2. Identifiers: Orphanet 64746, MedGen C0270914, MONDO:0018993.
Primary dilated cardiomyopathy (DCM). Also called: Dilated Cardiomyopathy. Identifiers: Orphanet 217604, MedGen C0007193, MeSH D002311, MONDO:0005021, HP:0001644. Inheritance: Various modes of inheritance.
Cardiomyopathy (CMYO). Also called: Cardiomyopathies. Identifiers: Orphanet 167848, MedGen C0878544, MONDO:0004994, HP:0001638. Inheritance: Various modes of inheritance.

Allele frequency attached by ClinVar (database versions not stated): gnomAD exomes below 0.00001; TOPMed below 0.00001; ExAC 0.00001.
gnomAD v4.1: 5 of 1,614,198 alleles (0.00031%); highest among the groups gnomAD compares: Non-Finnish European, 0.00042%; no homozygotes.

Submissions (4):

Labcorp Genetics (formerly Invitae), Labcorp
Classification: Likely benign for Charcot-Marie-Tooth disease type 2. Last evaluated: 2025-01-01. Review status: criteria provided, single submitter. Criteria: Invitae Variant Classification Sherloc (09022015). Collection method: clinical testing. Allele origin: germline.

All of Us Research Program, National Institutes of Health
Classification: Likely benign for Primary dilated cardiomyopathy. Last evaluated: 2024-06-09. Review status: criteria provided, single submitter. Criteria: ACMG Guidelines, 2015. Collection method: clinical testing. Allele origin: germline. Inheritance: Autosomal dominant inheritance. Observed: 2 variant alleles, 2 heterozygotes.
Comment: This study involves interpretation of variants in research participants for the purpose of population health screening. Participant phenotype was not available at the time of variant classification. Additional details can be found in publication PMID: 35346344, PMCID: PMC8962531

Color Diagnostics, LLC DBA Color Health
Classification: Likely benign for Cardiomyopathy. Last evaluated: 2019-01-31. Review status: criteria provided, single submitter. Criteria: ACMG Guidelines, 2015. Collection method: clinical testing. Allele origin: germline.

Ambry Genetics
Classification: Likely benign for Cardiovascular phenotype. Last evaluated: 2017-12-16. Review status: criteria provided, single submitter. Criteria: Ambry Variant Classification Scheme 2023. Collection method: clinical testing. Allele origin: germline.